The following is an entry in ClinVar:

NM_000254.3(MTR):c.1941dup (p.Arg648fs)

Gene: MTR (5-methyltetrahydrofolate-homocysteine methyltransferase; plus strand). Cytogenetic location: 1q43.
Variant type: Duplication.
Coding change: c.1941dup on transcript NM_000254.3 (MANE Select); coding-DNA position 1941, one base duplicated (A; older notation c.1941dupA).
Protein change: p.Arg648fs; shifts the reading frame from arginine 648.
Molecular consequence: frameshift variant.
Genome position (GRCh38, 1-based): chr1:236,853,076, A duplicated. VCF-style (leftmost placement, unchanged base first): chr1-236853075-T-TA. GRCh37 (hg19) VCF-style: chr1-237016375-T-TA.
Other names: c.1941dup, p.Arg648fs (NM_001291939.1, NM_001410942.1); c.720dup, p.Arg241fs (NM_001291940.2); short protein forms R241fs, R648fs.
Identifiers: ClinVar variation 2570756 (VCV002570756.29), dbSNP rs776216297, ClinGen allele CA1474207.

ClinVar aggregate classification (germline): Pathogenic. Review status: criteria provided, multiple submitters, no conflicts (2 of 4 stars). 2 submissions from 2 submitters: Pathogenic (2). Last evaluated 2024-01-29.

Conditions:
Methylcobalamin deficiency type cblG (HMAG). Also called: HOMOCYSTINURIA-MEGALOBLASTIC ANEMIA, cblG TYPE; HOMOCYSTINURIA-MEGALOBLASTIC ANEMIA, cblG COMPLEMENTATION TYPE; HOMOCYSTINURIA-MEGALOBLASTIC ANEMIA DUE TO DEFECT IN COBALAMIN METABOLISM, cblG COMPLEMENTATION TYPE; Functional methionine synthase deficiency type cblG. Identifiers: Orphanet 2170, Orphanet 622, MedGen C1855128, MONDO:0009609, OMIM 250940.

Allele frequency attached by ClinVar (database versions not stated): TOPMed below 0.00001; ExAC 0.00001; gnomAD exomes 0.00001.

Submissions (2):

Labcorp Genetics (formerly Invitae), Labcorp
Classification: Pathogenic for Methylcobalamin deficiency type cblG. Last evaluated: 2024-01-29. Review status: criteria provided, single submitter. Criteria: Invitae Variant Classification Sherloc (09022015). Collection method: clinical testing. Allele origin: germline.
Comment: This sequence change creates a premature translational stop signal (p.Arg648Thrfs*17) in the MTR gene. It is expected to result in an absent or disrupted protein product. Loss-of-function variants in MTR are known to be pathogenic (PMID: 9683607, 12068375). This variant is not present in population databases (gnomAD no frequency). This variant has not been reported in the literature in individuals affected with MTR-related conditions. ClinVar contains an entry for this variant (Variation ID: 2570756). For these reasons, this variant has been classified as Pathogenic.

CeGaT Center for Human Genetics Tuebingen
Classification: Pathogenic. Last evaluated: 2023-09-01. Review status: criteria provided, single submitter. Criteria: CeGaT Center For Human Genetics Tuebingen Variant Classification Criteria Version 2. Collection method: clinical testing. Allele origin: germline. Affected: yes. Observed: 2 variant alleles.
Comment: MTR: PVS1, PM2

Literature cited by the submitters: PubMed 9683607 (cited by Labcorp Genetics (formerly Invitae), Labcorp); PubMed 12068375 (cited by Labcorp Genetics (formerly Invitae), Labcorp).